The following is an entry in ClinVar:

ClinVar aggregate classification (germline): Pathogenic (1 of 4 stars; one submission).

Conditions:
Autosomal recessive limb-girdle muscular dystrophy type 2D (LGMDR3). Also called: MUSCULAR DYSTROPHY, LIMB-GIRDLE, AUTOSOMAL RECESSIVE 3; ADHALINOPATHY, PRIMARY; DUCHENNE-LIKE AUTOSOMAL RECESSIVE MUSCULAR DYSTROPHY, TYPE 2. Identifiers: Orphanet 62, MedGen C2936332, MONDO:0011968, OMIM 608099. Disease mechanism: Affects gamma-sarcoglycan and also disrupts the integrity of the entire sarcoglycan complex..

Submission:

Myriad Genetics, Inc.
Classification: Pathogenic for Autosomal recessive limb-girdle muscular dystrophy type 2D. Last evaluated: 2023-09-27. Review status: criteria provided, single submitter. Criteria: Myriad Autosomal Dominant, Autosomal Recessive and X-Linked Classification Criteria (2023). Collection method: clinical testing. Allele origin: unknown.
Comment: NM_000023.2(SGCA):c.220dupC(R74Pfs*31) is expected to be pathogenic in the context of alpha-sarcoglycanopathy. This variant is predicted to lead to an abnormal or absent protein product due to the creation of a premature termination codon in SGCA, a gene where loss-of-function variants are known to be pathogenic. Please note: this variant was assessed in the context of healthy population screening.

NM_000023.4(SGCA):c.220dup (p.Arg74fs)

Gene: SGCA (sarcoglycan alpha; plus strand). Cytogenetic location: 17q21.33.
Variant type: Duplication.
Coding change: c.220dup on transcript NM_000023.4 (MANE Select); coding-DNA position 220, one base duplicated (C; older notation c.220dupC).
Protein change: p.Arg74fs; shifts the reading frame from arginine 74.
Molecular consequence: frameshift variant. On other transcripts: non-coding transcript variant (1).
Genome position (GRCh38, 1-based): chr17:50,167,644, C duplicated; the last of 4 consecutive C bases (chr17:50,167,641-50,167,644); duplicating any one gives the same sequence. VCF-style (leftmost placement, unchanged base first): chr17-50167640-G-GC. GRCh37 (hg19) VCF-style: chr17-48245001-G-GC.
Other names: c.220dup, p.Arg74fs (NM_001135697.3); short protein forms R74fs.
Identifiers: ClinVar variation 5012150 (VCV005012150.1).